The following is an entry in ClinVar:

NM_000492.4(CFTR):c.1029C>T (p.Cys343=)

Gene: CFTR (CF transmembrane conductance regulator; plus strand). Cytogenetic location: 7q31.2.
Variant type: single nucleotide variant.
Coding change: c.1029C>T on transcript NM_000492.4 (MANE Select); coding-DNA position 1029, C replaced by T.
Protein change: p.Cys343=; no amino-acid change (cysteine 343 retained).
Molecular consequence: synonymous variant.
Genome position (GRCh38, 1-based): chr7:117,540,259, C>T. VCF-style: chr7-117540259-C-T. GRCh37 (hg19) VCF-style: chr7-117180313-C-T.
Identifiers: ClinVar variation 4652059 (VCV004652059.2).
Genomic context (GRCh38, chr7:117,540,259, plus strand): 5'-TCCCTATGCACTAATCAAAGGAATCATCCTCCGGAAAATATTCACCACCATCTCATTCTG[C>T]ATTGTTCTGCGCATGGCGGTCACTCGGCAATTTCCCTGGGCTGTACAAACATGGTATGAC-3'
Protein context (NP_000483.3, residues 333-353): LRKIFTTISF[Cys343=]IVLRMAVTRQ

ClinVar aggregate classification (germline): Likely benign. Review status: criteria provided, multiple submitters, no conflicts (2 of 4 stars). 2 submissions from 2 submitters: Likely benign (2). Last evaluated 2025-12-20.

Conditions:
Cystic fibrosis (CF). Also called: MUCOVISCIDOSIS. Identifiers: Orphanet 586, MedGen C0010674, MONDO:0009061, OMIM 219700. Disease mechanism: loss of function.

Submissions (2):

Women's Health and Genetics/Laboratory Corporation of America, LabCorp
Classification: Likely benign. Last evaluated: 2025-12-20. Review status: criteria provided, single submitter. Criteria: LabCorp Variant Classification Summary - May 2015. Collection method: clinical testing. Allele origin: germline.
Comment: Variant summary: CFTR c.1029C>T alters a conserved nucleotide resulting in a synonymous change. Consensus agreement among computation tools predict no significant impact on normal splicing. However, these predictions have yet to be confirmed by functional studies. The variant was absent in 251196 control chromosomes. The available data on variant occurrences in the general population are insufficient to allow any conclusion about variant significance. To our knowledge, no occurrence of c.1029C>T in individuals affected with CFTR-related conditions and no experimental evidence demonstrating its impact on protein function have been reported. No submitters have cited clinical-significance assessments for this variant to ClinVar. Based on the evidence outlined above, the variant was classified as likely benign.

Ambry Genetics
Classification: Likely benign for Cystic fibrosis. Last evaluated: 2025-12-14. Review status: criteria provided, single submitter. Criteria: Ambry Variant Classification Scheme 2023. Collection method: clinical testing. Allele origin: germline.